The following is an entry in ClinVar:

ClinVar aggregate classification (germline): Likely benign. Review status: reviewed by expert panel (3 of 4 stars). 8 submissions from 8 submitters: Likely benign (1). 7 of the submissions do not count toward it. Last evaluated 2017-06-29.

Conditions:
BRCA2-related cancer predisposition. Identifiers: MedGen CN377758, MONDO:0700269.
Hereditary cancer-predisposing syndrome. Also called: Tumor predisposition; Hereditary Cancer Syndrome; Hereditary neoplastic syndrome; Neoplastic Syndromes, Hereditary. Identifiers: Orphanet 140162, MedGen C0027672, MeSH D009386, MONDO:0015356.
Hereditary breast ovarian cancer syndrome. Also called: Breast and ovarian cancer; Hereditary breast and ovarian cancer syndrome; Hereditary breast and ovarian cancer; BRCA1- and BRCA2-Associated Hereditary Breast and Ovarian Cancer; Hereditary breast and ovarian cancer syndrome (HBOC); Hereditary breast and/or ovarian cancer syndrome. Identifiers: Orphanet 145, MedGen C0677776, MeSH D061325, MONDO:0003582. Disease mechanism: loss of function.
Breast-ovarian cancer, familial, susceptibility to, 2 (BROVCA2). Also called: BRCA2 Hereditary Breast and Ovarian Cancer. Identifiers: Orphanet 145, MedGen C2675520, MONDO:0012933, OMIM 612555. Disease mechanism: loss of function.

Allele frequency attached by ClinVar (database versions not stated): gnomAD exomes below 0.00001; gnomAD 0.00001; TOPMed 0.00001.
gnomAD v4.1: 5 of 1,596,428 alleles (0.00031%); highest among the groups gnomAD compares: Non-Finnish European, 0.00043%; no homozygotes.

Submissions (8):

Evidence-based Network for the Interpretation of Germline Mutant Alleles (ENIGMA)
Classification: Likely benign for Breast-ovarian cancer, familial, susceptibility to, 2. Last evaluated: 2017-06-29. Review status: reviewed by expert panel. Criteria: ENIGMA BRCA1/2 Classification Criteria (2017-06-29). Collection method: curation. Allele origin: germline.
Comment: Synonymous substitution variant, with low bioinformatic likelihood to result in a splicing aberration (Splicing prior probability 0.02).

Labcorp Genetics (formerly Invitae), Labcorp
Classification: Likely benign for Hereditary breast ovarian cancer syndrome. Last evaluated: 2025-11-17. Review status: criteria provided, single submitter. Criteria: Invitae Variant Classification Sherloc (09022015). Collection method: clinical testing. Allele origin: germline. Not counted in ClinVar's aggregate classification.

All of Us Research Program, National Institutes of Health
Classification: Likely benign for BRCA2-related cancer predisposition. Last evaluated: 2024-07-20. Review status: criteria provided, single submitter. Criteria: ACMG Guidelines, 2015. Collection method: clinical testing. Allele origin: germline. Inheritance: Autosomal dominant inheritance. Observed: 2 variant alleles, 2 heterozygotes. Not counted in ClinVar's aggregate classification.
Comment: This study involves interpretation of variants in research participants for the purpose of population health screening. Participant phenotype was not available at the time of variant classification. Additional details can be found in publication PMID: 35346344, PMCID: PMC8962531

Quest Diagnostics Nichols Institute San Juan Capistrano
Classification: Likely benign. Last evaluated: 2023-01-03. Review status: criteria provided, single submitter. Criteria: Quest Diagnostics criteria. Collection method: clinical testing. Allele origin: unknown. Not counted in ClinVar's aggregate classification.

GeneDx
Classification: Likely benign. Last evaluated: 2020-12-24. Review status: criteria provided, single submitter. Criteria: GeneDx Variant Classification Process June 2021. Collection method: clinical testing. Allele origin: germline. Affected: yes. Not counted in ClinVar's aggregate classification.

Women's Health and Genetics/Laboratory Corporation of America, LabCorp
Classification: Likely benign. Last evaluated: 2020-01-31. Review status: criteria provided, single submitter. Criteria: LabCorp Variant Classification Summary - May 2015. Collection method: clinical testing. Allele origin: germline. Not counted in ClinVar's aggregate classification.

Color Diagnostics, LLC DBA Color Health
Classification: Likely benign for Hereditary cancer-predisposing syndrome. Last evaluated: 2016-04-25. Review status: criteria provided, single submitter. Criteria: ACMG Guidelines, 2015. Collection method: clinical testing. Allele origin: germline. Not counted in ClinVar's aggregate classification.

Ambry Genetics
Classification: Likely benign for Hereditary cancer-predisposing syndrome. Last evaluated: 2015-10-20. Review status: criteria provided, single submitter. Criteria: Ambry Variant Classification Scheme 2023. Collection method: clinical testing. Allele origin: germline. Not counted in ClinVar's aggregate classification.

NM_000059.4(BRCA2):c.1554A>T (p.Ala518=)

Gene: BRCA2 (BRCA2 DNA repair associated; plus strand). Cytogenetic location: 13q13.1.
Variant type: single nucleotide variant.
Coding change: c.1554A>T on transcript NM_000059.4 (MANE Select); coding-DNA position 1554, A replaced by T.
Protein change: p.Ala518=; no amino-acid change (alanine 518 retained).
Molecular consequence: synonymous variant.
Genome position (GRCh38, 1-based): chr13:32,333,032, A>T. VCF-style: chr13-32333032-A-T. GRCh37 (hg19) VCF-style: chr13-32907169-A-T.
Identifiers: ClinVar variation 184477 (VCV000184477.27), dbSNP rs786201487, ClinGen allele CA012409.